The following is an entry in ClinVar:

NM_016507.4(CDK12):c.854A>G (p.Tyr285Cys)

Genes: CDK12 (cyclin dependent kinase 12; plus strand), LOC126862553 (CDK7 strongly-dependent group 2 enhancer GRCh37_chr17:37618166-37619365; plus strand). Cytogenetic location: 17q12.
Variant type: single nucleotide variant.
Coding change: c.854A>G on transcript NM_016507.4 (MANE Select); coding-DNA position 854, A replaced by G.
Protein change: p.Tyr285Cys; replaces tyrosine 285 with cysteine.
Molecular consequence: missense variant.
Genome position (GRCh38, 1-based): chr17:39,462,925, A>G. VCF-style: chr17-39462925-A-G. GRCh37 (hg19) VCF-style: chr17-37619178-A-G.
Other names: c.854A>G, p.Tyr285Cys (NM_015083.4); short protein forms Y285C.
Identifiers: ClinVar variation 4224376 (VCV004224376.1).

ClinVar aggregate classification (germline): Uncertain significance (1 of 4 stars; one submission).

gnomAD v4.1: 1 of 1,614,198 alleles (0.000062%); highest among the groups gnomAD compares: African/African-American, 0.0013%; no homozygotes.

Submission:

Ambry Genetics
Classification: Uncertain significance. Last evaluated: 2025-08-11. Review status: criteria provided, single submitter. Criteria: Ambry Variant Classification Scheme 2023. Collection method: clinical testing. Allele origin: germline.
Comment: The p.Y285C variant (also known as c.854A>G), located in coding exon 1 of the CDK12 gene, results from an A to G substitution at nucleotide position 854. The tyrosine at codon 285 is replaced by cysteine, an amino acid with highly dissimilar properties. This amino acid position is conserved. In addition, the in silico prediction for this alteration is inconclusive. Based on the available evidence, the clinical significance of this variant remains unclear.